The following continues an entry in ClinVar:

NM_020975.6(RET):c.1900T>C (p.Cys634Arg)

Gene: RET. ClinVar aggregate classification (germline): Pathogenic/Likely pathogenic. Pathogenic (21); Likely pathogenic (1).

Submissions 18 to 28 of 28:

Quest Diagnostics Nichols Institute San Juan Capistrano
Classification: Pathogenic. Last evaluated: 2018-05-04. Review status: criteria provided, single submitter. Criteria: Quest Diagnostics criteria. Collection method: clinical testing. Allele origin: unknown.
Comment: The frequency of this variant in the general population, 0.000012 (3/247534 chromosomes), is uninformative in assessment of its pathogenicity. In the published literature, the variant has been reported in multiple individuals/families with MEN2A or clinical features of MEN2A including medullary thyroid carcinoma (MTC) and/or pheochromocytomas (PMIDs: 33219105 (2022), 33340421 (2020), 30763276 (2019), 28569245 (2017), 27698838 (2016), 23617071 (2013), 23210566 (2012), 18209889 (2007), 17895320 (2007), 17639058 (2007), 17102083 (2006), 15588376 (2004)). Furthermore, this variant has been demonstrated to result in increased in transforming activity (PMIDs: 21810974 (2011), 9230192 (1997), 7824936 (1995)), and significantly increased kinase activity in vitro (PMID: 8570194 (1995)). Based on the available information, this variant is classified as pathogenic.

3DMed Clinical Laboratory Inc
Classification: Pathogenic for Thyroid carcinoma. Last evaluated: 2017-10-26. Review status: criteria provided, single submitter. Criteria: ACMG Guidelines, 2015. Collection method: clinical testing. Allele origin: germline. Affected: yes.

Clinical Genetics and Genomics, Karolinska University Hospital
Classification: Pathogenic. Last evaluated: 2014-09-26. Review status: criteria provided, single submitter. Criteria: ACMG Guidelines, 2015. Collection method: clinical testing. Allele origin: germline. Affected: yes. Observed: 6 variant alleles.

Eurofins Ntd Llc (ga)
Classification: Pathogenic. Last evaluated: 2013-01-22. Review status: criteria provided, single submitter. Criteria: EGL Classification Definitions. Collection method: clinical testing. Allele origin: germline. Observed: 5 variant alleles, 5 heterozygotes.

Juno Genomics, Hangzhou Juno Genomics, Inc
Classification: Pathogenic for Multiple endocrine neoplasia type 2A; Multiple endocrine neoplasia type 2B; Pheochromocytoma. Review status: criteria provided, single submitter. Criteria: ACMG Guidelines, 2015. Collection method: clinical testing. Allele origin: germline. Affected: yes.
Comment: Well-established in vitro or in vivo functional studies supportive of a damaging effect on the gene or gene product.;Absent from controls (or at extremely low frequency if recessive) in Genome Aggregation Database, Exome Sequencing Project, 1000 Genomes Project, or Exome Aggregation Consortium.;The prevalence of the variant in affected individuals is significantly increased compared to the prevalence in controls.;Novel missense change at an amino acid residue where a different missense change determined to be pathogenic has been seen before.

Exeter Genomics Laboratory, Royal Devon University Healthcare NHS Foundation Trust
Classification: Pathogenic for Multiple endocrine neoplasia type 2. Last evaluated: 2025-06-09. Review status: no assertion criteria provided. Collection method: clinical testing. Allele origin: germline. Affected: yes. Not counted in ClinVar's aggregate classification.

Clinical Molecular Genetics Laboratory, Johns Hopkins All Children's Hospital
Classification: Pathogenic for Multiple endocrine neoplasia, type 2a. Last evaluated: 2014-08-22. Review status: no assertion criteria provided. Collection method: clinical testing. Allele origin: germline. Affected: yes. Not counted in ClinVar's aggregate classification.

OMIM
Classification: Pathogenic for MULTIPLE ENDOCRINE NEOPLASIA, TYPE IIA. Last evaluated: 2002-12-01. Review status: no assertion criteria provided. Collection method: literature only. Allele origin: germline. Not counted in ClinVar's aggregate classification.

OMIM
Classification: Pathogenic for PHEOCHROMOCYTOMA. Last evaluated: 2002-12-01. Review status: no assertion criteria provided. Collection method: literature only. Allele origin: germline. Not counted in ClinVar's aggregate classification.

Genome Diagnostics Laboratory, University Medical Center Utrecht
Classification: Pathogenic. Review status: no assertion criteria provided. Collection method: clinical testing. Allele origin: germline. Affected: yes. Study: VKGL Data-share Consensus. Not counted in ClinVar's aggregate classification.

Joint Genome Diagnostic Labs from Nijmegen and Maastricht, Radboudumc and MUMC+
Classification: Pathogenic. Review status: no assertion criteria provided. Collection method: clinical testing. Allele origin: germline. Affected: yes. Study: VKGL Data-share Consensus. Not counted in ClinVar's aggregate classification.

Literature cited by the submitters: PubMed 8103403 (cited by 4 submitters); PubMed 8765374 (cited by 4 submitters); PubMed 11987030 (cited by 4 submitters); PubMed 12000816 (cited by 7 submitters); PubMed 19825962 (cited by 4 submitters); PubMed 23210566 (cited by Labcorp Genetics (formerly Invitae), Labcorp and Quest Diagnostics Nichols Institute San Juan Capistrano); PubMed 23617071 (cited by 6 submitters); PubMed 23861463 (cited by 5 submitters); PubMed 24784869 (cited by 5 submitters); PubMed 25027091 (cited by 6 submitters); PubMed 25515555 (cited by 8 submitters); PubMed 27539324 (cited by 7 submitters); PubMed 27698838 (cited by 7 submitters); PubMed 7824936 (cited by 7 submitters); PubMed 8099202 (cited by Labcorp Genetics (formerly Invitae), Labcorp); PubMed 8570194 (cited by 5 submitters); PubMed 15472167 (cited by 4 submitters); PubMed 21765987 (cited by Labcorp Genetics (formerly Invitae), Labcorp and Laboratory for Molecular Medicine, Mass General Brigham Personalized Medicine); PubMed 21810974 (cited by 8 submitters); PubMed 25440022 (cited by Labcorp Genetics (formerly Invitae), Labcorp and Ambry Genetics); PubMed 28469506 (cited by 3 submitters); PubMed 30624503 (cited by Color Diagnostics, LLC DBA Color Health and Mayo Clinic Laboratories, Mayo Clinic); PubMed 30763276 (cited by Color Diagnostics, LLC DBA Color Health and Quest Diagnostics Nichols Institute San Juan Capistrano); PubMed 31510104 (cited by Color Diagnostics, LLC DBA Color Health and Mayo Clinic Laboratories, Mayo Clinic); PubMed 33219105 (cited by Color Diagnostics, LLC DBA Color Health and Quest Diagnostics Nichols Institute San Juan Capistrano); PubMed 33340421 (cited by Color Diagnostics, LLC DBA Color Health and Quest Diagnostics Nichols Institute San Juan Capistrano); PubMed 34441382 (cited by Color Diagnostics, LLC DBA Color Health and All of Us Research Program, National Institutes of Health); PubMed 34777782 (cited by 3 submitters); PubMed 34905813 (cited by Color Diagnostics, LLC DBA Color Health and Myriad Genetics, Inc.); PubMed 10522989 (cited by 3 submitters); PubMed 25810047 (cited by Mayo Clinic Laboratories, Mayo Clinic and Myriad Genetics, Inc.); PubMed 18063059 (cited by 4 submitters); PubMed 23416954 (cited by 3 submitters); PubMed 24561444 (cited by Ambry Genetics); PubMed 7907913 (cited by 5 submitters); PubMed 8918855 (cited by Ambry Genetics and Laboratory for Molecular Medicine, Mass General Brigham Personalized Medicine); PubMed 9230192 (cited by 4 submitters); PubMed 32293499 (cited by Myriad Genetics, Inc.); PubMed 21690267 (cited by Myriad Genetics, Inc.); PubMed 14561794 (cited by Myriad Genetics, Inc.); PubMed 17188172 (cited by Myriad Genetics, Inc.); PubMed 11900218 (cited by Myriad Genetics, Inc. and Laboratory for Molecular Medicine, Mass General Brigham Personalized Medicine); PubMed 21449769 (cited by Laboratory for Molecular Medicine, Mass General Brigham Personalized Medicine); PubMed 7874109 (cited by Laboratory for Molecular Medicine, Mass General Brigham Personalized Medicine); PubMed 7915822 (cited by Laboratory for Molecular Medicine, Mass General Brigham Personalized Medicine); PubMed 8757765 (cited by Laboratory for Molecular Medicine, Mass General Brigham Personalized Medicine and OMIM); PubMed 16525712 (cited by 3 submitters); PubMed 17065770 (cited by 3 submitters); PubMed 17102080 (cited by 3 submitters); PubMed 17573899 (cited by 3 submitters); PubMed 17270543 (cited by 3 submitters); PubMed 17895320 (cited by 3 submitters); PubMed 18062802 (cited by Laboratory for Molecular Medicine, Mass General Brigham Personalized Medicine); PubMed 11389085 (cited by Laboratory for Molecular Medicine, Mass General Brigham Personalized Medicine and 3DMed Clinical Laboratory Inc); PubMed 15588376 (cited by 3 submitters); PubMed 16707008 (cited by 3 submitters); PubMed 17639058 (cited by 3 submitters); PubMed 9242375 (cited by Laboratory for Molecular Medicine, Mass General Brigham Personalized Medicine); PubMed 7595171 (cited by Laboratory for Molecular Medicine, Mass General Brigham Personalized Medicine); PubMed 12864791 (cited by Laboratory for Molecular Medicine, Mass General Brigham Personalized Medicine); PubMed 9879991 (cited by Laboratory for Molecular Medicine, Mass General Brigham Personalized Medicine); PubMed 12466368 (cited by Laboratory for Molecular Medicine, Mass General Brigham Personalized Medicine and OMIM); PubMed 16314641 (cited by 3 submitters); PubMed 17102083 (cited by 3 submitters); PubMed 19015274 (cited by Athena Diagnostics and Quest Diagnostics Nichols Institute San Juan Capistrano); PubMed 7608256 (cited by Athena Diagnostics and Quest Diagnostics Nichols Institute San Juan Capistrano); PubMed 8909322 (cited by Athena Diagnostics and Quest Diagnostics Nichols Institute San Juan Capistrano); PubMed 16817830 (cited by Athena Diagnostics and Quest Diagnostics Nichols Institute San Juan Capistrano); PubMed 16868135 (cited by Athena Diagnostics and Quest Diagnostics Nichols Institute San Juan Capistrano); PubMed 16865647 (cited by Athena Diagnostics and Quest Diagnostics Nichols Institute San Juan Capistrano); PubMed 16849421 (cited by Athena Diagnostics and Quest Diagnostics Nichols Institute San Juan Capistrano); PubMed 17178962 (cited by Athena Diagnostics and Quest Diagnostics Nichols Institute San Juan Capistrano); PubMed 17316110 (cited by Athena Diagnostics and Quest Diagnostics Nichols Institute San Juan Capistrano); PubMed 17605401 (cited by Athena Diagnostics and Quest Diagnostics Nichols Institute San Juan Capistrano); PubMed 18209889 (cited by Athena Diagnostics and Quest Diagnostics Nichols Institute San Juan Capistrano); PubMed 28569245 (cited by Quest Diagnostics Nichols Institute San Juan Capistrano); PubMed 29397600 (cited by Quest Diagnostics Nichols Institute San Juan Capistrano); PubMed 16778204 (cited by 3DMed Clinical Laboratory Inc); PubMed 3078962 (cited by OMIM); PubMed 7849700 (cited by OMIM); PubMed 2904651 (cited by OMIM).